The following is an entry in ClinVar:

ClinVar aggregate classification (germline): Uncertain significance (1 of 4 stars; one submission).

Submission:

Women's Health and Genetics/Laboratory Corporation of America, LabCorp
Classification: Uncertain significance. Last evaluated: 2026-03-04. Review status: criteria provided, single submitter. Criteria: LabCorp Variant Classification Summary - May 2015. Collection method: clinical testing. Allele origin: germline.
Comment: Variant summary: TNFRSF1A c.1181G>A (p.Arg394His) results in a non-conservative amino acid change in the encoded protein sequence. Algorithms developed to predict the effect of missense changes on protein structure and function all suggest that this variant is likely to be disruptive. The variant allele was found at a frequency of 9.1e-06 in 219104 control chromosomes (gnomAD). The available data on variant occurrences in the general population are insufficient to allow any conclusion about variant significance. c.1181G>A has been observed in at least one individual affected with TNF receptor-associated periodic fever syndrome (TRAPS) (Gaggiano_2020). The report does not provide unequivocal conclusions about association of the variant with TNF receptor-associated periodic fever syndrome (TRAPS). To our knowledge, no experimental evidence demonstrating an impact on protein function has been reported. The following publication have been ascertained in the context of this evaluation (PMID: 32831641). No submitters have cited clinical-significance assessments for this variant to ClinVar. Based on the evidence outlined above, the variant was classified as uncertain significance.

Literature cited by the submitters: PubMed 32831641.

NM_001065.4(TNFRSF1A):c.1181G>A (p.Arg394His)

Gene: TNFRSF1A (TNF receptor superfamily member 1A; minus strand). Cytogenetic location: 12p13.31.
Variant type: single nucleotide variant.
Coding change: c.1181G>A on transcript NM_001065.4 (MANE Select); coding-DNA position 1181, G replaced by A.
Protein change: p.Arg394His; replaces arginine 394 with histidine.
Molecular consequence: missense variant. On other transcripts: non-coding transcript variant (1).
Genome position (GRCh38, 1-based): chr12:6,329,499, C>T on the plus strand (G>A on the coding strand, the complement: TNFRSF1A is on the minus strand). VCF-style: chr12-6329499-C-T. GRCh37 (hg19) VCF-style: chr12-6438665-C-T.
Other names: c.857G>A, p.Arg286His (NM_001346091.2); c.722G>A, p.Arg241His (NM_001346092.2); short protein forms R241H, R286H, R394H.
Identifiers: ClinVar variation 4847490 (VCV004847490.1).